The following is an entry in ClinVar:

NC_000004.11:g.(?_151388805)_(151392911_?)del

Gene: LRBA (LPS responsive beige-like anchor protein; minus strand). Cytogenetic location: 4q31.3.
Variant type: Deletion.
Identifiers: ClinVar variation 3246680 (VCV003246680.1).

ClinVar aggregate classification (germline): Pathogenic (1 of 4 stars; one submission).

Conditions:
Combined immunodeficiency due to LRBA deficiency. Also called: Common variable immunodeficiency 8, with autoimmunity. Identifiers: Orphanet 445018, MedGen C3553512, MONDO:0013863, OMIM 614700.

Submission:

Labcorp Genetics (formerly Invitae), Labcorp
Classification: Pathogenic for Combined immunodeficiency due to LRBA deficiency. Last evaluated: 2023-12-30. Review status: criteria provided, single submitter. Criteria: Invitae Variant Classification Sherloc (09022015). Collection method: clinical testing. Allele origin: unknown.
Comment: This variant is a gross deletion of the genomic region encompassing exon(s) 44-45 of the LRBA gene. This deletion is out-of-frame, and is expected to create a premature termination codon and result in an absent or disrupted protein product. Loss-of-function variants in LRBA are known to be pathogenic (PMID: 26206937, 26768763). This variant has not been reported in the literature in individuals affected with LRBA-related conditions. For these reasons, this variant has been classified as Pathogenic.

Literature cited by the submitters: PubMed 26206937; PubMed 26768763.